The following is an entry in ClinVar:

ClinVar aggregate classification (germline): Uncertain significance (1 of 4 stars; one submission).

gnomAD v4.1: 3 of 1,614,208 alleles (0.00019%); highest among the groups gnomAD compares: South Asian, 0.0022%; no homozygotes.

Submission:

Labcorp Genetics (formerly Invitae), Labcorp
Classification: Uncertain significance. Last evaluated: 2024-08-15. Review status: criteria provided, single submitter. Criteria: Invitae Variant Classification Sherloc (09022015). Collection method: clinical testing. Allele origin: germline.
Comment: This sequence change replaces leucine, which is neutral and non-polar, with methionine, which is neutral and non-polar, at codon 48 of the TNFAIP3 protein (p.Leu48Met). This variant is present in population databases (no rsID available, gnomAD 0.003%). This variant has not been reported in the literature in individuals affected with TNFAIP3-related conditions. Invitae Evidence Modeling of protein sequence and biophysical properties (such as structural, functional, and spatial information, amino acid conservation, physicochemical variation, residue mobility, and thermodynamic stability) indicates that this missense variant is not expected to disrupt TNFAIP3 protein function with a negative predictive value of 80%. In summary, the available evidence is currently insufficient to determine the role of this variant in disease. Therefore, it has been classified as a Variant of Uncertain Significance.

NM_001270508.2(TNFAIP3):c.142C>A (p.Leu48Met)

Gene: TNFAIP3 (TNF alpha induced protein 3; plus strand). Cytogenetic location: 6q23.3.
Variant type: single nucleotide variant.
Coding change: c.142C>A on transcript NM_001270508.2 (MANE Select); coding-DNA position 142, C replaced by A.
Protein change: p.Leu48Met; replaces leucine 48 with methionine.
Molecular consequence: missense variant.
Genome position (GRCh38, 1-based): chr6:137,871,369, C>A. VCF-style: chr6-137871369-C-A. GRCh37 (hg19) VCF-style: chr6-138192506-C-A.
Other names: c.142C>A, p.Leu48Met (NM_001270507.2, NM_006290.4); short protein forms L48M.
Identifiers: ClinVar variation 3692103 (VCV003692103.2).
Genomic context (GRCh38, chr6:137,871,369, plus strand): 5'-GACATTTTTAAACCTACTAATGGGATCATTCATCATTTTAAAACCATGCACCGATACACA[C>A]TGGAAATGTTCAGAACTTGCCAGTTTTGTCCTCAGTTTCGGGAGATCATCCACAAAGCCC-3'
Protein context (NP_001257437.1, residues 38-58): HHFKTMHRYT[Leu48Met]EMFRTCQFCP